The following is an entry in ClinVar:

ClinVar aggregate classification (germline): Pathogenic/Likely pathogenic. Review status: criteria provided, multiple submitters, no conflicts (2 of 4 stars). 10 submissions from 10 submitters: Pathogenic (7); Likely pathogenic (3). Last evaluated 2026-02-19.

Conditions:
Autosomal dominant Alport syndrome (ATS3A). Also called: Alport syndrome dominant type; Renal failure and sensorineural hearing loss; ALPORT SYNDROME 3A, AUTOSOMAL DOMINANT. Identifiers: Orphanet 63, Orphanet 88918, MedGen C5882663, MONDO:0007086, OMIM 104200.
Autosomal recessive Alport syndrome (ATS2). Also called: COL4A4 Alport Syndrome and Thin Basement Membrane Nephropathy; ALPORT SYNDROME 2, AUTOSOMAL RECESSIVE; Alport syndrome type 2; COL4A3-Related Nephropathy. Identifiers: Orphanet 63, Orphanet 88919, MedGen C4746745, MONDO:0008762, OMIM 203780.
Benign familial hematuria. Also called: thin basement membrane disease. Identifiers: MedGen C0241908, MONDO:0957317.
COL4A3-related disorder. Also called: COL4A3-related condition; COL4A3-Related Disorders.
Hematuria, benign familial, 2 (BFH2). Identifiers: MedGen C5830421, MONDO:0958186, OMIM 620320.
Alport syndrome. Also called: Hemorrhagic familial nephritis; Hemorrhagic hereditary nephritis; Congenital hereditary hematuria. Identifiers: Orphanet 63, MedGen C1567741, MONDO:0018965.

Allele frequency attached by ClinVar (database versions not stated): gnomAD exomes below 0.00001.
gnomAD v4.1: 2 of 1,614,144 alleles (0.00012%); highest among the groups gnomAD compares: Non-Finnish European, 0.00017%; no homozygotes.

Submissions (10):

Centre de Génétique Humaine, Institut de Pathologie Et de Génétique
Classification: Likely pathogenic for Hematuria, benign familial, 2. Last evaluated: 2026-02-19. Review status: criteria provided, single submitter. Criteria: ACMG Guidelines, 2015. Collection method: clinical testing. Allele origin: paternal, germline, maternal. Inheritance: Autosomal dominant inheritance. Affected: yes. Observed: 3 variant alleles, 3 heterozygotes. Clinical features observed: Microscopic hematuria (HP:0002907). Segregation with disease observed.
Comment: This missense variant involves a highly conserved glycine located in a ‘Gly-X-Y’ motif in collagenous region, which is characteristic of the pathogenic variants identified in the COL4A3 gene (PM1,PP2). This variant is rare: allelic frequency of 0.00012% in gnomAD v4.1.0 database (PM2); In silico analysis supports that this missense variant has a deleterious effect (PP3). Described in AD and AR Alport Syndrome patients and as heterozygous in a patient with FSGS (PP5 strong)

Dasa
Classification: Pathogenic. Last evaluated: 2025-12-20. Review status: criteria provided, single submitter. Criteria: DASA Assertion Criteria. Collection method: clinical testing. Allele origin: germline.
Comment: NM_000091.5(COL4A3):c.1219G>C (p.Gly407Arg) is a missense variant that results in the substitution of glycine with arginine. Functional evidence supports a deleterious effect on the gene or gene product (PMID: 29854973; PMID: 35675912; PMID: 25307543; PMID: 30647093). This variant has been recurrently observed in individuals with related phenotype (PMID: 29854973; PMID: 35675912; PMID: 25307543; PMID: 30647093). Multiple computational predictions support a deleterious effect on the gene or gene product. The variant is present at low frequency in population datasets. Based on the available data, this variant is classified as pathogenic.

Natera, Inc.
Classification: Pathogenic for Alport syndrome. Last evaluated: 2025-09-02. Review status: criteria provided, single submitter. Criteria: Natera Variant Classification Schema (03/2026). Collection method: clinical testing. Allele origin: germline.
Comment: The c.1219G>C variant in COL4A3 is a missense variant predicted to cause substitution of glycine to arginine at amino acid 407. This variant is rare in the general population with a frequency below the threshold expected for the associated phenotype(s). This variant has been observed in one or more individuals affected with the associated recessive disease, as either homozygous or compound heterozygous with a second variant (PMID: 25307543). This variant has been observed in affected individual(s) with monoallelic occurrence (heterozygous/hemizygous) (PMID: 29854973, 39810285). This variant is located in a functionally critical region of the protein. Computational prediction algorithms indicate this variant is likely to affect gene or protein function. Given the available evidence, this variant is classified as Pathogenic.

Athena Diagnostics
Classification: Pathogenic. Last evaluated: 2023-12-29. Review status: criteria provided, single submitter. Criteria: Athena Diagnostics Criteria. Collection method: clinical testing. Allele origin: unknown.
Comment: This variant has been identified in at least one individual with clinical features associated with this gene. The majority of the pathogenic variants in this gene involve the substitution of a glycine residue in the triple-helix domain, resulting in disruption of protein function (PMID: 29632050, 21421911, 19344236). This variant has not been reported in large, multi-ethnic general populations. This variant alters a critical location within the protein, and is expected to severely affect function and cause disease.

GeneDx
Classification: Pathogenic. Last evaluated: 2023-10-06. Review status: criteria provided, single submitter. Criteria: GeneDx Variant Classification Process June 2021. Collection method: clinical testing. Allele origin: germline. Affected: yes.
Comment: Affects a glycine residue in a Gly-X-Y motif in the triple helical region of the COL4A3 gene, where the majority of pathogenic missense variants occur, and is predicted to disrupt normal protein folding and function (HGMD; Jais et al., 2000); Not observed at significant frequency in large population cohorts (gnomAD); In silico analysis supports that this missense variant has a deleterious effect on protein structure/function; This variant is associated with the following publications: (PMID: 10752524, 35675912, 11134255, 25307543, 29854973, 30647093)

Labcorp Genetics (formerly Invitae), Labcorp
Classification: Pathogenic. Last evaluated: 2023-03-31. Review status: criteria provided, single submitter. Criteria: Invitae Variant Classification Sherloc (09022015). Collection method: clinical testing. Allele origin: germline.
Comment: For these reasons, this variant has been classified as Pathogenic. This variant disrupts the p.Gly407 amino acid residue in COL4A3. Other variant(s) that disrupt this residue have been observed in individuals with COL4A3-related conditions (PMID: 26809805, 31328266), which suggests that this may be a clinically significant amino acid residue. This variant is not present in population databases (gnomAD no frequency). Advanced modeling of protein sequence and biophysical properties (such as structural, functional, and spatial information, amino acid conservation, physicochemical variation, residue mobility, and thermodynamic stability) has been performed at Invitae for this missense variant, however the output from this modeling did not meet the statistical confidence thresholds required to predict the impact of this variant on COL4A3 protein function. ClinVar contains an entry for this variant (Variation ID: 632350). This missense change has been observed in individuals with Alport syndrome (PMID: 11134255, 29854973). This sequence change replaces glycine, which is neutral and non-polar, with arginine, which is basic and polar, at codon 407 of the COL4A3 protein (p.Gly407Arg).

Eurofins-Biomnis
Classification: Likely pathogenic for Autosomal recessive Alport syndrome. Last evaluated: 2022-11-03. Review status: criteria provided, single submitter. Criteria: Accession Criteria ClinVar Biomnis. Collection method: clinical testing. Allele origin: germline. Affected: yes. Observed: 1 heterozygote.

Fulgent Genetics
Classification: Pathogenic for Autosomal dominant Alport syndrome; Hematuria, benign familial, 1; Autosomal recessive Alport syndrome. Last evaluated: 2022-04-21. Review status: criteria provided, single submitter. Criteria: ACMG Guidelines, 2015. Collection method: clinical testing. Allele origin: unknown.

Blueprint Genetics
Classification: Pathogenic for COL4A3-related disorders. Last evaluated: 2020-10-02. Review status: criteria provided, single submitter. Criteria: ACMG Guidelines, 2015. Collection method: clinical testing. Allele origin: germline. Affected: yes. Observed: 3 variant alleles.

Illumina Laboratory Services, Illumina
Classification: Likely pathogenic for COL4A3-Related Disorders. Last evaluated: 2019-01-09. Review status: criteria provided, single submitter. Criteria: ICSL Variant Classification Criteria 09 May 2019. Collection method: clinical testing. Allele origin: germline.
Comment: The COL4A3 c.1219G>C (p.Gly407Arg) variant has been reported in at least two studies and is found in a total of nine unrelated individuals with either Alport syndrome or thin basement membrane nephropathy including in three in a compound heterozygous state and six in a heterozygous state (Heidet et al. 2001; Nabais Sâ”œÃ­ et al. 2015). Nabais Sa et al. (2015) proposed that the p.Gly407Arg may represent a Portuguese founder variant. The p.Gly407Arg variant was absent from 36 control subjects and frequency information is not available from the 1000 Genomes Project, the Exome Sequencing Project, the Exome Aggregation Consortium, or the Genome Aggregation Database. Based on the evidence, the p. Gly407Arg variant is classified as likely pathogenic for COL4A3-related disorders. This variant was observed by ICSL as part of a predisposition screen in an ostensibly healthy population.

Literature cited by the submitters: PubMed 25307543 (cited by 5 submitters); PubMed 11134255 (cited by 4 submitters); PubMed 29854973 (cited by 5 submitters); PubMed 30647093 (cited by 3 submitters); PubMed 33851121 (cited by Centre de Génétique Humaine, Institut de Pathologie Et de Génétique and Athena Diagnostics); PubMed 38972501 (cited by Centre de Génétique Humaine, Institut de Pathologie Et de Génétique); PubMed 35675912 (cited by Centre de Génétique Humaine, Institut de Pathologie Et de Génétique and Dasa); PubMed 39810285 (cited by Natera, Inc.); PubMed 37086329 (cited by Athena Diagnostics); PubMed 26809805 (cited by Labcorp Genetics (formerly Invitae), Labcorp); PubMed 31328266 (cited by Labcorp Genetics (formerly Invitae), Labcorp).

NM_000091.5(COL4A3):c.1219G>C (p.Gly407Arg)

Genes: COL4A3 (collagen type IV alpha 3 chain; plus strand), MFF-DT (MFF divergent transcript; minus strand). Cytogenetic location: 2q36.3.
Variant type: single nucleotide variant.
Coding change: c.1219G>C on transcript NM_000091.5 (MANE Select); coding-DNA position 1219, G replaced by C.
Protein change: p.Gly407Arg; replaces glycine 407 with arginine.
Molecular consequence: missense variant.
Genome position (GRCh38, 1-based): chr2:227,263,848, G>C. VCF-style: chr2-227263848-G-C. GRCh37 (hg19) VCF-style: chr2-228128564-G-C.
Other names: p.(Gly407Arg); c.1219G>C (NM_000091.3); short protein forms G407R.
Identifiers: ClinVar variation 632350 (VCV000632350.16), dbSNP rs1559878862, ClinGen allele CA350868814.